The following is an entry in ClinVar:

ClinVar aggregate classification (germline): Uncertain significance (1 of 4 stars; one submission).

Allele frequency attached by ClinVar (database versions not stated): TOPMed 0.00001.
gnomAD v4.1: 9 of 1,607,616 alleles (0.00056%); highest among the groups gnomAD compares: Admixed American, 0.0067%; no homozygotes.

Submission:

Labcorp Genetics (formerly Invitae), Labcorp
Classification: Uncertain significance. Last evaluated: 2022-08-02. Review status: criteria provided, single submitter. Criteria: Invitae Variant Classification Sherloc (09022015). Collection method: clinical testing. Allele origin: germline.
Comment: This sequence change replaces serine, which is neutral and polar, with leucine, which is neutral and non-polar, at codon 464 of the CLCC1 protein (p.Ser464Leu). This variant is present in population databases (no rsID available, gnomAD 0.003%). This variant has not been reported in the literature in individuals affected with CLCC1-related conditions. Algorithms developed to predict the effect of missense changes on protein structure and function output the following: SIFT: "Tolerated"; PolyPhen-2: "Benign"; Align-GVGD: "Class C0". The leucine amino acid residue is found in multiple mammalian species, which suggests that this missense change does not adversely affect protein function. In summary, the available evidence is currently insufficient to determine the role of this variant in disease. Therefore, it has been classified as a Variant of Uncertain Significance.

NM_001377458.1(CLCC1):c.1391C>T (p.Ser464Leu)

Gene: CLCC1 (chloride channel CLIC like 1; minus strand). Cytogenetic location: 1p13.3.
Variant type: single nucleotide variant.
Coding change: c.1391C>T on transcript NM_001377458.1 (MANE Select); coding-DNA position 1391, C replaced by T.
Protein change: p.Ser464Leu; replaces serine 464 with leucine.
Molecular consequence: missense variant. On other transcripts: non-coding transcript variant (1).
Genome position (GRCh38, 1-based): chr1:108,934,935, G>A on the plus strand (C>T on the coding strand, the complement: CLCC1 is on the minus strand). VCF-style: chr1-108934935-G-A. GRCh37 (hg19) VCF-style: chr1-109477557-G-A.
Other names: c.1391C>T, p.Ser464Leu (NM_001048210.3, NM_001377459.1, NM_001377460.1 and 8 more transcripts); c.1028C>T, p.Ser343Leu (NM_001278202.2); c.836C>T, p.Ser279Leu (NM_001278203.1); c.1289C>T, p.Ser430Leu (NM_001377469.1); c.1100C>T, p.Ser367Leu (NM_001377470.1); c.1241C>T, p.Ser414Leu (NM_015127.5); short protein forms S367L, S414L, S430L, S343L, S279L, S464L.
Identifiers: ClinVar variation 1899208 (VCV001899208.2), dbSNP rs938565764, ClinGen allele CA28584930.